The following is an entry in ClinVar:

NM_001009944.3(PKD1):c.4857del (p.Ala1620fs)

Gene: PKD1 (polycystin 1, transient receptor potential channel interacting; minus strand). Cytogenetic location: 16p13.3.
Variant type: Deletion.
Coding change: c.4857del on transcript NM_001009944.3 (MANE Select); coding-DNA position 4857, one base deleted (C; older notation c.4857delC).
Protein change: p.Ala1620fs; shifts the reading frame from alanine 1620.
Molecular consequence: frameshift variant.
Genome position (GRCh38, 1-based): chr16:2,110,310, G deleted on the plus strand (C on the coding strand, the reverse complement: PKD1 is on the minus strand); the first of 2 consecutive G bases (chr16:2,110,310-2,110,311); deleting either gives the same sequence. VCF-style (leftmost placement, unchanged base first): chr16-2110309-CG-C. GRCh37 (hg19) VCF-style: chr16-2160310-CG-C.
Other names: p.Ala1620Profs*13; c.4857del, p.Ala1620fs (NM_000296.4); short protein forms A1620fs.
Identifiers: ClinVar variation 2683674 (VCV002683674.1), dbSNP rs2544817791, ClinGen allele CA2697549591.
Genomic context (GRCh38, chr16:2,110,309, plus strand): 5'-CGCCCACCACCTGCAGCCCCTCTATGAGCTGCAGGACATAGACGAAGATGCTGTCCTGGG[CG>C]GAGCCCACCTCGTTCTCAGCCGTGACGATGATATTGAAGGTGCCCACGGAGCGGAAGGTG-3'

ClinVar aggregate classification (germline): Likely pathogenic (1 of 4 stars; one submission).

Submission:

Mayo Clinic Laboratories, Mayo Clinic
Classification: Likely pathogenic. Last evaluated: 2023-04-05. Review status: criteria provided, single submitter. Criteria: ACMG Guidelines, 2015. Collection method: clinical testing. Allele origin: germline. Observed: 2 variant alleles.
Comment: PM2_supporting, PVS1